The following is an entry in ClinVar:

NM_015346.4(ZFYVE26):c.6727C>T (p.Gln2243Ter)

Gene: ZFYVE26 (zinc finger FYVE-type containing 26; minus strand). Cytogenetic location: 14q24.1.
Variant type: single nucleotide variant.
Coding change: c.6727C>T on transcript NM_015346.4 (MANE Select); coding-DNA position 6727, C replaced by T.
Protein change: p.Gln2243Ter; replaces glutamine 2243 with a stop codon.
Molecular consequence: nonsense.
Genome position (GRCh38, 1-based): chr14:67,756,007, G>A on the plus strand (C>T on the coding strand, the complement: ZFYVE26 is on the minus strand). VCF-style: chr14-67756007-G-A. GRCh37 (hg19) VCF-style: chr14-68222724-G-A.
Other names: short protein forms Q2243*.
Identifiers: ClinVar variation 3650838 (VCV003650838.2).

ClinVar aggregate classification (germline): Pathogenic (1 of 4 stars; one submission).

Conditions:
Spastic paraplegia. Identifiers: MedGen C0037772, HP:0001258.

Submission:

Labcorp Genetics (formerly Invitae), Labcorp
Classification: Pathogenic for Spastic paraplegia. Last evaluated: 2024-11-19. Review status: criteria provided, single submitter. Criteria: Invitae Variant Classification Sherloc (09022015). Collection method: clinical testing. Allele origin: germline.
Comment: This sequence change creates a premature translational stop signal (p.Gln2243*) in the ZFYVE26 gene. It is expected to result in an absent or disrupted protein product. Loss-of-function variants in ZFYVE26 are known to be pathogenic (PMID: 18394578, 19805727). This variant is not present in population databases (gnomAD no frequency). This variant has not been reported in the literature in individuals affected with ZFYVE26-related conditions. For these reasons, this variant has been classified as Pathogenic.

Literature cited by the submitters: PubMed 18394578; PubMed 19805727.